The following is an entry in ClinVar:

ClinVar aggregate classification (germline): Conflicting classifications of pathogenicity. Review status: criteria provided, conflicting classifications (1 of 4 stars). 5 submissions from 5 submitters: Uncertain significance (4); Likely benign (1). Last evaluated 2025-03-03.

Conditions:
Acute myeloid leukemia (AML). Also called: Leukemia, acute myeloid, somatic; Leukemia, acute myelogenous, somatic; Acute myeloid leukemia, adult; AML adult; Acute non-lymphocytic leukemia; Acute granulocytic leukemia. Identifiers: Orphanet 519, MedGen C0023467, MeSH D015470, MONDO:0018874, OMIM 601626, HP:0004808. Disease mechanism: Constitutively activated FLT3.
Inborn genetic diseases. Identifiers: MedGen C0950123, MeSH D030342.

Allele frequency attached by ClinVar (database versions not stated): TOPMed below 0.00001; gnomAD 0.00001.
gnomAD v4.1: 3 of 1,330,646 alleles (0.00023%); highest among the groups gnomAD compares: Non-Finnish European, 0.00029%; no homozygotes.

Submissions (5):

Ambry Genetics
Classification: Likely benign for Inborn genetic diseases. Last evaluated: 2025-03-03. Review status: criteria provided, single submitter. Criteria: Ambry Variant Classification Scheme 2023. Collection method: clinical testing. Allele origin: germline.

Labcorp Genetics (formerly Invitae), Labcorp
Classification: Uncertain significance for Acute myeloid leukemia. Last evaluated: 2024-08-26. Review status: criteria provided, single submitter. Criteria: Invitae Variant Classification Sherloc (09022015). Collection method: clinical testing. Allele origin: germline.
Comment: This sequence change replaces leucine, which is neutral and non-polar, with valine, which is neutral and non-polar, at codon 178 of the CEBPA protein (p.Leu178Val). This variant is not present in population databases (gnomAD no frequency). This variant has not been reported in the literature in individuals affected with CEBPA-related conditions. ClinVar contains an entry for this variant (Variation ID: 526799). Invitae Evidence Modeling of protein sequence and biophysical properties (such as structural, functional, and spatial information, amino acid conservation, physicochemical variation, residue mobility, and thermodynamic stability) indicates that this missense variant is not expected to disrupt CEBPA protein function with a negative predictive value of 80%. In summary, the available evidence is currently insufficient to determine the role of this variant in disease. Therefore, it has been classified as a Variant of Uncertain Significance.

Baylor Genetics
Classification: Uncertain significance for Acute myeloid leukemia. Last evaluated: 2023-10-17. Review status: criteria provided, single submitter. Criteria: ACMG Guidelines, 2015. Collection method: clinical testing. Allele origin: unknown.

GeneDx
Classification: Uncertain significance. Last evaluated: 2023-03-10. Review status: criteria provided, single submitter. Criteria: GeneDx Variant Classification Process June 2021. Collection method: clinical testing. Allele origin: germline. Affected: yes.
Comment: Not observed at significant frequency in large population cohorts (gnomAD); In silico analysis supports that this missense variant does not alter protein structure/function; Has not been previously published as pathogenic or benign to our knowledge; This variant is associated with the following publications: (PMID: 29703253, 21455213, 30089904)

Genetic Services Laboratory, University of Chicago
Classification: Uncertain significance. Last evaluated: 2020-11-25. Review status: criteria provided, single submitter. Criteria: ACMG Guidelines, 2015. Collection method: clinical testing. Allele origin: germline. Affected: no.
Comment: This sequence change is absent from the large population databases such as ExAC and gnomAD (dbSNP rs1325138029). The p.Leu178Val change affects a moderately conserved amino acid residue located in a domain of the CEBPA protein that is known to be functional. In-silico pathogenicity prediction tools (SIFT, PolyPhen2, Align GVGD, REVEL) provide contradictory results for the p.Leu178Val substitution. Due to these contrasting evidences and the lack of functional studies, the clinical significance of the p.Leu178Val change remains unknown at this time.

NM_004364.5(CEBPA):c.532C>G (p.Leu178Val)

Gene: CEBPA (CCAAT enhancer binding protein alpha; minus strand). Cytogenetic location: 19q13.11.
Variant type: single nucleotide variant.
Coding change: c.532C>G on transcript NM_004364.5 (MANE Select); coding-DNA position 532, C replaced by G.
Protein change: p.Leu178Val; replaces leucine 178 with valine.
Molecular consequence: missense variant.
Genome position (GRCh38, 1-based): chr19:33,301,883, G>C on the plus strand (C>G on the coding strand, the complement: CEBPA is on the minus strand). VCF-style: chr19-33301883-G-C. GRCh37 (hg19) VCF-style: chr19-33792789-G-C.
Other names: c.175C>G, p.Leu59Val (NM_001285829.2); c.637C>G, p.Leu213Val (NM_001287424.2); c.490C>G, p.Leu164Val (NM_001287435.2); c.532C>G (NM_004364.3); short protein forms L178V, L164V, L59V, L213V.
Identifiers: ClinVar variation 526799 (VCV000526799.17), dbSNP rs1325138029, ClinGen allele CA405274751.